The following is an entry in ClinVar:

NM_181458.4(PAX3):c.118C>T (p.Gln40Ter)

Gene: PAX3 (paired box 3; minus strand). Cytogenetic location: 2q36.1.
Variant type: single nucleotide variant.
Coding change: c.118C>T on transcript NM_181458.4 (MANE Select); coding-DNA position 118, C replaced by T.
Protein change: p.Gln40Ter; replaces glutamine 40 with a stop codon.
Molecular consequence: nonsense.
Genome position (GRCh38, 1-based): chr2:222,297,181, G>A on the plus strand (C>T on the coding strand, the complement: PAX3 is on the minus strand). VCF-style: chr2-222297181-G-A. GRCh37 (hg19) VCF-style: chr2-223161900-G-A.
Other names: c.118C>T, p.Gln40Ter (NM_000438.6, NM_001127366.3, NM_013942.5 and 4 more transcripts); short protein forms Q40*.
Identifiers: ClinVar variation 1416701 (VCV001416701.8), dbSNP rs1461573611, ClinGen allele CA351113785.
Genomic context (GRCh38, chr2:222,297,181, plus strand): 5'-CGATCTTGTGGCGGATGTGGTTGGGCAGCGGCCTGCCGTTGATAAAAACACCGCCGAGCT[G>A]GTTGACGCGGCCCTGGCCGAGGGGAGTGGACACTGTGGGAAGGTGAAAAAGAGAAGCAAG-3'

ClinVar aggregate classification (germline): Pathogenic (1 of 4 stars; one submission).

Allele frequency attached by ClinVar (database versions not stated): gnomAD exomes below 0.00001.
gnomAD v4.1: 1 of 1,594,306 alleles (0.000063%); no homozygotes.

Submission:

Labcorp Genetics (formerly Invitae), Labcorp
Classification: Pathogenic. Last evaluated: 2021-03-08. Review status: criteria provided, single submitter. Criteria: Invitae Variant Classification Sherloc (09022015). Collection method: clinical testing. Allele origin: germline.
Comment: For these reasons, this variant has been classified as Pathogenic. This variant has been observed in individual(s) with Waardenberg syndrome (PMID: 27264810). This sequence change creates a premature translational stop signal (p.Gln40*) in the PAX3 gene. It is expected to result in an absent or disrupted protein product. Loss-of-function variants in PAX3 are known to be pathogenic (PMID: 20127975, 23512835). This variant is not present in population databases (ExAC no frequency).

Literature cited by the submitters: PubMed 27264810; PubMed 20127975; PubMed 23512835.